The following is an entry in ClinVar:

NM_000601.6(HGF):c.557G>A (p.Gly186Glu)

Gene: HGF (hepatocyte growth factor; minus strand). Cytogenetic location: 7q21.11.
Variant type: single nucleotide variant.
Coding change: c.557G>A on transcript NM_000601.6 (MANE Select); coding-DNA position 557, G replaced by A.
Protein change: p.Gly186Glu; replaces glycine 186 with glutamic acid.
Molecular consequence: missense variant.
Genome position (GRCh38, 1-based): chr7:81,752,188, C>T on the plus strand (G>A on the coding strand, the complement: HGF is on the minus strand). VCF-style: chr7-81752188-C-T. GRCh37 (hg19) VCF-style: chr7-81381504-C-T.
Other names: c.557G>A, p.Gly186Glu (NM_001010931.3, NM_001010934.3); c.542G>A, p.Gly181Glu (NM_001010932.3, NM_001010933.3); short protein forms G181E, G186E.
Identifiers: ClinVar variation 3342631 (VCV003342631.1).

ClinVar aggregate classification (germline): Uncertain significance (1 of 4 stars; one submission).

gnomAD v4.1: 11 of 1,613,350 alleles (0.00068%); highest among the groups gnomAD compares: Admixed American, 0.013%; no homozygotes.

Submission:

GeneDx
Classification: Uncertain significance. Last evaluated: 2024-03-01. Review status: criteria provided, single submitter. Criteria: GeneDx Variant Classification Process June 2021. Collection method: clinical testing. Allele origin: germline. Affected: yes.
Comment: In silico analysis supports that this missense variant has a deleterious effect on protein structure/function; Has not been previously published as pathogenic or benign to our knowledge